The following is an entry in ClinVar:

NM_004656.4(BAP1):c.1588G>T (p.Val530Leu)

Gene: BAP1 (BRCA1 associated deubiquitinase 1; minus strand). Cytogenetic location: 3p21.1.
Variant type: single nucleotide variant.
Coding change: c.1588G>T on transcript NM_004656.4 (MANE Select); coding-DNA position 1588, G replaced by T.
Protein change: p.Val530Leu; replaces valine 530 with leucine.
Molecular consequence: missense variant.
Genome position (GRCh38, 1-based): chr3:52,403,557, C>A on the plus strand (G>T on the coding strand, the complement: BAP1 is on the minus strand). VCF-style: chr3-52403557-C-A. GRCh37 (hg19) VCF-style: chr3-52437573-C-A.
Other names: c.1534G>T, p.Val512Leu (NM_001410772.1); short protein forms V530L, V512L.
Identifiers: ClinVar variation 5032766 (VCV005032766.1).
Genomic context (GRCh38, chr3:52,403,557, plus strand): 5'-CAGCACGGTTGTAGCGTATGCAGTCAACACGCAGCAGGCTGTCATCCTCTCCAAAAAGCA[C>A]CTTGGAGATGTGGGAGGTGACAGGGCTGGAGGGCCGCGTCGGGTTGGCTGAGCGGATAGG-3'
Protein context (NP_004647.1, residues 520-540): SSPVTSHISK[Val530Leu]LFGEDDSLLR

ClinVar aggregate classification (germline): Uncertain significance (1 of 4 stars; one submission).

Conditions:
Hereditary cancer-predisposing syndrome. Also called: Neoplastic Syndromes, Hereditary; Tumor predisposition; Hereditary neoplastic syndrome; Hereditary Cancer Syndrome. Identifiers: Orphanet 140162, MedGen C0027672, MeSH D009386, MONDO:0015356.

Submission:

Ambry Genetics
Classification: Uncertain significance for Hereditary cancer-predisposing syndrome. Last evaluated: 2026-09-14. Review status: criteria provided, single submitter. Criteria: Ambry Variant Classification Scheme 2023. Collection method: clinical testing. Allele origin: germline.
Comment: The p.V530L variant (also known as c.1588G>T), located in coding exon 13 of the BAP1 gene, results from a G to T substitution at nucleotide position 1588. The valine at codon 530 is replaced by leucine, an amino acid with highly similar properties. This amino acid position is conserved. In addition, the in silico prediction for this alteration is inconclusive. Based on the available evidence, the clinical significance of this variant remains unclear.